The following is an entry in ClinVar:

NM_000138.5(FBN1):c.5698T>A (p.Cys1900Ser)

Gene: FBN1 (fibrillin 1; minus strand). Cytogenetic location: 15q21.1.
Variant type: single nucleotide variant.
Coding change: c.5698T>A on transcript NM_000138.5 (MANE Select); coding-DNA position 5698, T replaced by A.
Protein change: p.Cys1900Ser; replaces cysteine 1900 with serine.
Molecular consequence: missense variant.
Genome position (GRCh38, 1-based): chr15:48,446,796, A>T on the plus strand (T>A on the coding strand, the complement: FBN1 is on the minus strand). VCF-style: chr15-48446796-A-T. GRCh37 (hg19) VCF-style: chr15-48738993-A-T.
Other names: short protein forms C1900S.
Identifiers: ClinVar variation 519797 (VCV000519797.5), dbSNP rs1555395840, ClinGen allele CA392341369.
Genomic context (GRCh38, chr15:48,446,796, plus strand): 5'-AACCATGATTGCAGCGGCAGTTGAAGGAACCAATTGTGTTCCGGCAAGTTCCATTCCCAC[A>T]GGCATCTCTTTCACATTCATTTATGTCTAGTAGGAAGAAAGGCCATAAAGAAACATAATT-3'
Protein context (NP_000129.3, residues 1890-1910): LDINECERDA[Cys1900Ser]GNGTCRNTIG

ClinVar aggregate classification (germline): Likely pathogenic (1 of 4 stars; one submission).

Conditions:
Familial thoracic aortic aneurysm and aortic dissection (TAAD). Also called: Thoracic aortic aneurysms and dissections. Identifiers: Orphanet 91387, MedGen C4707243, MONDO:0019625.

Submission:

Ambry Genetics
Classification: Likely pathogenic for Familial thoracic aortic aneurysm and aortic dissection. Last evaluated: 2017-10-26. Review status: criteria provided, single submitter. Criteria: Ambry Variant Classification Scheme 2023. Collection method: clinical testing. Allele origin: germline.
Comment: The p.C1900S variant (also known as c.5698T>A), located in coding exon 46 of the FBN1 gene, results from a T to A substitution at nucleotide position 5698. The cysteine at codon 1900 is replaced by serine, an amino acid with dissimilar properties, and is located in the cbEGF-like #28 domain. The majority of FBN1 mutations identified to date have involved the substitution or generation of cysteine residues within cbEGF domains (Vollbrandt T et al. J Biol Chem. 2004;279(31):32924-32931). Internal structural analysis indicates that this particular alteration eliminates a structurally critical disulfide bond in cbEGF domain #28 (Ambry internal data). A variant with the same amino acid substitution (c.5699G>T p.C1900S) has been reported in a patient with positive Ghent criteria, and two other alterations at the same codon (p.C1900Y and p.C1900F) have also been associated with Marfan syndrome (Arbustini E et al. Hum. Mutat. 2005;26:494; Hung C et al. Ann Hum Genet. 2009:73(Pt 6):559-567; Stheneur C et al. Eur. J. Hum. Genet. 2009;17:1121-8). This amino acid position is highly conserved in available vertebrate species. In addition, this alteration is predicted to be deleterious by in silico analysis. Based on the majority of available evidence to date, this variant is likely to be pathogenic.

Literature cited by the submitters: PubMed 16222657; PubMed 18435798; PubMed 19293843.